The following is an entry in ClinVar:

ClinVar aggregate classification (germline): Uncertain significance (1 of 4 stars; one submission).

Conditions:
DNA ligase IV deficiency. Identifiers: Orphanet 99812, MedGen C1847827, MONDO:0011686, OMIM 606593.

Submission:

Labcorp Genetics (formerly Invitae), Labcorp
Classification: Uncertain significance for DNA ligase IV deficiency. Last evaluated: 2020-12-02. Review status: criteria provided, single submitter. Criteria: Invitae Variant Classification Sherloc (09022015). Collection method: clinical testing. Allele origin: germline.
Comment: Algorithms developed to predict the effect of missense changes on protein structure and function output the following: SIFT: "Tolerated"; PolyPhen-2: "Benign"; Align-GVGD: "Class C0". The asparagine amino acid residue is found in multiple mammalian species, suggesting that this missense change does not adversely affect protein function. These predictions have not been confirmed by published functional studies and their clinical significance is uncertain. In summary, the available evidence is currently insufficient to determine the role of this variant in disease. Therefore, it has been classified as a Variant of Uncertain Significance. This variant has not been reported in the literature in individuals with LIG4-related conditions. This sequence change replaces aspartic acid with asparagine at codon 322 of the LIG4 protein (p.Asp322Asn). The aspartic acid residue is weakly conserved and there is a small physicochemical difference between aspartic acid and asparagine. This variant is not present in population databases (ExAC no frequency).

NM_206937.2(LIG4):c.964G>A (p.Asp322Asn)

Gene: LIG4 (DNA ligase 4; minus strand). Cytogenetic location: 13q33.3.
Variant type: single nucleotide variant.
Coding change: c.964G>A on transcript NM_206937.2 (MANE Select); coding-DNA position 964, G replaced by A.
Protein change: p.Asp322Asn; replaces aspartic acid 322 with asparagine.
Molecular consequence: missense variant.
Genome position (GRCh38, 1-based): chr13:108,210,305, C>T on the plus strand (G>A on the coding strand, the complement: LIG4 is on the minus strand). VCF-style: chr13-108210305-C-T. GRCh37 (hg19) VCF-style: chr13-108862653-C-T.
Other names: c.964G>A, p.Asp322Asn (NM_001098268.2, NM_001352598.2, NM_001352599.2 and 6 more transcripts); c.763G>A, p.Asp255Asn (NM_001330595.2); c.1000G>A, p.Asp334Asn (NM_001352604.2); short protein forms D255N, D334N, D322N.
Identifiers: ClinVar variation 1421993 (VCV001421993.8), dbSNP rs1796952947, ClinGen allele CA388619073.